The following is an entry in ClinVar:

GRCh38/hg38 5q13.2(chr5:69942850-71014028)x1

Genes: NAIP (NLR family apoptosis inhibitory protein), SERF1A (small EDRK-rich factor 1A), SERF1B (small EDRK-rich factor 1B), SMN-AS1 (survival motor neuron- antisense 1), SMN1 (survival of motor neuron 1, telomeric) and 2 more. Cytogenetic location: 5q13.2.
Variant type: copy number loss.
Change: copy number 1 (one copy instead of two) of chr5:69,942,850-71,014,028 (1.07 Mb, GRCh38 coordinates, 1-based), cytogenetic band 5q13.2.
Identifiers: ClinVar variation 57346 (VCV000057346.1).

ClinVar aggregate classification (germline): Benign (1 of 4 stars; one submission).

Submission:

ISCA site 4
Classification: Benign. Last evaluated: 2011-08-12. Review status: criteria provided, single submitter. Criteria: Kaminsky et al. (Genet Med. 2011). Collection method: clinical testing. Allele origin: unknown. Affected: yes. Observed: 1 variant allele.
Comment: Copy number variation identified through the course of routine clinical cytogenomic testing in postnatal populations. Clinical assertions have been curated as described in Kaminsky et al. 2011.